The following is an entry in ClinVar:

ClinVar aggregate classification (germline): Uncertain significance (1 of 4 stars; one submission).

Conditions:
D-2-hydroxyglutaric aciduria 1 (D2HGA1). Identifiers: Orphanet 79315, MedGen C3152055, MONDO:0024554, OMIM 600721.

Submission:

Labcorp Genetics (formerly Invitae), Labcorp
Classification: Uncertain significance for D-2-hydroxyglutaric aciduria 1. Last evaluated: 2024-02-17. Review status: criteria provided, single submitter. Criteria: Invitae Variant Classification Sherloc (09022015). Collection method: clinical testing. Allele origin: germline.
Comment: This variant, c.964_984dup, results in the insertion of 7 amino acid(s) of the D2HGDH protein (p.Gly322_Ala328dup), but otherwise preserves the integrity of the reading frame. This variant is not present in population databases (gnomAD no frequency). This variant has not been reported in the literature in individuals affected with D2HGDH-related conditions. ClinVar contains an entry for this variant (Variation ID: 1927689). In summary, the available evidence is currently insufficient to determine the role of this variant in disease. Therefore, it has been classified as a Variant of Uncertain Significance.

NM_152783.5(D2HGDH):c.964_984dup (p.Ala328_Ser329insGlyArgHisLeuHisLeuAla)

Gene: D2HGDH (D-2-hydroxyglutarate dehydrogenase; plus strand). Cytogenetic location: 2q37.3.
Variant type: Duplication.
Coding change: c.964_984dup on transcript NM_152783.5 (MANE Select); coding-DNA positions 964 to 984, 21 bases duplicated (GGGCGCCATCTCCACCTGGCC).
Protein change: p.Ala328_Ser329insGlyArgHisLeuHisLeuAla.
Molecular consequence: inframe insertion.
Genome position (GRCh38, 1-based): chr2:241,750,261-241,750,281, GGGCGCCATCTCCACCTGGCC duplicated; duplicating any 21 consecutive bases within chr2:241,750,260-241,750,281 gives the same sequence; the c. name uses the placement nearest the transcript's 3' end. VCF-style (leftmost placement, unchanged base first): chr2-241750259-T-TCGGGCGCCATCTCCACCTGGC. GRCh37 (hg19) VCF-style: chr2-242689674-T-TCGGGCGCCATCTCCACCTGGC.
Other names: c.562_582dup, p.Ala194_Ser195insGlyArgHisLeuHisLeuAla (NM_001287249.2); c.403_423dup, p.Ala141_Ser142insGlyArgHisLeuHisLeuAla (NM_001352824.2).
Identifiers: ClinVar variation 1927689 (VCV001927689.5), dbSNP rs2549949008, ClinGen allele CA2580068048.